The following is an entry in ClinVar:

NM_001127208.3(TET2):c.3061C>T (p.Gln1021Ter)

Genes: TET2 (tet methylcytosine dioxygenase 2; plus strand), TET2-AS1 (TET2 antisense RNA 1; minus strand). Cytogenetic location: 4q24.
Variant type: single nucleotide variant.
Coding change: c.3061C>T on transcript NM_001127208.3 (MANE Select); coding-DNA position 3061, C replaced by T.
Protein change: p.Gln1021Ter; replaces glutamine 1021 with a stop codon.
Molecular consequence: nonsense.
Genome position (GRCh38, 1-based): chr4:105,237,003, C>T. VCF-style: chr4-105237003-C-T. GRCh37 (hg19) VCF-style: chr4-106158160-C-T.
Other names: c.3061C>T, p.Gln1021Ter (NM_017628.4); short protein forms Q1021*.
Identifiers: ClinVar variation 2131122 (VCV002131122.4), dbSNP rs1279700648, ClinGen allele CA357801454.

ClinVar aggregate classification (germline): Pathogenic (1 of 4 stars; one submission).

Allele frequency attached by ClinVar (database versions not stated): gnomAD exomes below 0.00001.
gnomAD v4.1: 1 of 1,614,134 alleles (0.000062%); highest among the groups gnomAD compares: South Asian, 0.0011%; no homozygotes.

Submission:

Labcorp Genetics (formerly Invitae), Labcorp
Classification: Pathogenic. Last evaluated: 2024-03-05. Review status: criteria provided, single submitter. Criteria: Invitae Variant Classification Sherloc (09022015). Collection method: clinical testing. Allele origin: germline.
Comment: This sequence change creates a premature translational stop signal (p.Gln1021*) in the TET2 gene. It is expected to result in an absent or disrupted protein product. Loss-of-function variants in TET2 are known to be pathogenic (PMID: 36066697). This variant is not present in population databases (gnomAD no frequency). This variant has not been reported in the literature in individuals affected with TET2-related conditions. ClinVar contains an entry for this variant (Variation ID: 2131122). For these reasons, this variant has been classified as Pathogenic.

Literature cited by the submitters: PubMed 36066697.